The following is an entry in ClinVar:

ClinVar aggregate classification (germline): Uncertain significance. Review status: criteria provided, multiple submitters, no conflicts (2 of 4 stars). 2 submissions from 2 submitters: Uncertain significance (2). Last evaluated 2026-02-16.

Conditions:
Inborn genetic diseases. Identifiers: MedGen C0950123, MeSH D030342.

Submissions (2):

Ambry Genetics
Classification: Uncertain significance for Inborn genetic diseases. Last evaluated: 2026-02-16. Review status: criteria provided, single submitter. Criteria: Ambry Variant Classification Scheme 2023. Collection method: clinical testing. Allele origin: germline.

Labcorp Genetics (formerly Invitae), Labcorp
Classification: Uncertain significance. Last evaluated: 2025-07-05. Review status: criteria provided, single submitter. Criteria: Invitae Variant Classification Sherloc (09022015). Collection method: clinical testing. Allele origin: germline.
Comment: This sequence change replaces alanine, which is neutral and non-polar, with valine, which is neutral and non-polar, at codon 630 of the SLC12A6 protein (p.Ala630Val). This variant is not present in population databases (gnomAD no frequency). This variant has not been reported in the literature in individuals affected with SLC12A6-related conditions. Invitae Evidence Modeling of protein sequence and biophysical properties (such as structural, functional, and spatial information, amino acid conservation, physicochemical variation, residue mobility, and thermodynamic stability) indicates that this missense variant is not expected to disrupt SLC12A6 protein function with a negative predictive value of 80%. In summary, the available evidence is currently insufficient to determine the role of this variant in disease. Therefore, it has been classified as a Variant of Uncertain Significance.

NM_001365088.1(SLC12A6):c.1889C>T (p.Ala630Val)

Gene: SLC12A6 (solute carrier family 12 member 6; minus strand). Cytogenetic location: 15q14.
Variant type: single nucleotide variant.
Coding change: c.1889C>T on transcript NM_001365088.1 (MANE Select); coding-DNA position 1889, C replaced by T.
Protein change: p.Ala630Val; replaces alanine 630 with valine.
Molecular consequence: missense variant.
Genome position (GRCh38, 1-based): chr15:34,245,339, G>A on the plus strand (C>T on the coding strand, the complement: SLC12A6 is on the minus strand). VCF-style: chr15-34245339-G-A. GRCh37 (hg19) VCF-style: chr15-34537540-G-A.
Other names: c.1712C>T, p.Ala571Val (NM_001042494.2, NM_001042495.2); c.1862C>T, p.Ala621Val (NM_001042496.2); c.1844C>T, p.Ala615Val (NM_001042497.2); c.1736C>T, p.Ala579Val (NM_005135.2); c.1889C>T, p.Ala630Val (NM_133647.2); short protein forms A571V, A579V, A615V, A621V, A630V.
Identifiers: ClinVar variation 4777863 (VCV004777863.2).
Genomic context (GRCh38, chr15:34,245,339, plus strand): 5'-TCTTACATGGAAAGAATTGGGGCCACAAGATCCAGGGAGGCAATGAGTATTCCAAGCTCT[G>A]CAATGGCAGCAGTTAGAAGTAAAGCCCAGGTAGGTTCCCCATTGGCTTTGCTGTGGCCAA-3'
Protein context (NP_001352017.1, residues 620-640): TWALLLTAAI[Ala630Val]ELGILIASLD